The following is an entry in ClinVar:

NM_001267550.2(TTN):c.37429A>G (p.Lys12477Glu)

Gene: TTN (titin; minus strand). Cytogenetic location: 2q31.2.
Variant type: single nucleotide variant.
Coding change: c.37429A>G on transcript NM_001267550.2 (MANE Select); coding-DNA position 37429, A replaced by G.
Protein change: p.Lys12477Glu; replaces lysine 12477 with glutamic acid.
Molecular consequence: missense variant. On other transcripts: intron variant (3).
Genome position (GRCh38, 1-based): chr2:178,659,029, T>C on the plus strand (A>G on the coding strand, the complement: TTN is on the minus strand). VCF-style: chr2-178659029-T-C. GRCh37 (hg19) VCF-style: chr2-179523756-T-C.
Other names: c.31717A>G, p.Lys10573Glu (NM_133378.4); c.13283-16712A>G (NM_003319.4); c.13859-16712A>G (NM_133437.4); c.13658-16712A>G (NM_133432.3); c.34498A>G, p.Lys11500Glu (NM_001256850.1); short protein forms K10573E, K12477E, K11500E.
Identifiers: ClinVar variation 191983 (VCV000191983.1), dbSNP rs786205394, ClinGen allele CA238023.

ClinVar aggregate classification (germline): Uncertain significance (1 of 4 stars; one submission).

Allele frequency attached by ClinVar (database versions not stated): gnomAD 0.00001.

Submission:

Biesecker Lab/Clinical Genomics Section, National Institutes of Health
Classification: Uncertain significance. Last evaluated: 2013-06-24. Review status: criteria provided, single submitter. Criteria: Ng et al. (Circ Cardiovasc Genet. 2013). Collection method: research. Allele origin: unknown. Observed: 1 variant allele. Study: ClinSeq.
Comment: The study set was not selected for affection status in relation to any cancer. Pathogenicity categories were based on literature curation. See Pubmed ID:23861362 for details.

Medical sequencing